The following is an entry in ClinVar:

ClinVar aggregate classification (germline): Uncertain significance (1 of 4 stars; one submission).

Conditions:
Multiple endocrine neoplasia, type 2 (MEN2). Identifiers: Orphanet 653, MedGen C4048306, MONDO:0019003. Disease mechanism: gain of function.

Submission:

Labcorp Genetics (formerly Invitae), Labcorp
Classification: Uncertain significance for Multiple endocrine neoplasia, type 2. Last evaluated: 2024-04-15. Review status: criteria provided, single submitter. Criteria: Invitae Variant Classification Sherloc (09022015). Collection method: clinical testing. Allele origin: germline.
Comment: This sequence change replaces arginine, which is basic and polar, with proline, which is neutral and non-polar, at codon 1050 of the RET protein (p.Arg1050Pro). Information on the frequency of this variant in the gnomAD database is not available, as this variant may be reported differently in the database. This variant has not been reported in the literature in individuals affected with RET-related conditions. ClinVar contains an entry for this variant (Variation ID: 2007519). An algorithm developed to predict the effect of missense changes on protein structure and function (PolyPhen-2) suggests that this variant is likely to be disruptive. In summary, the available evidence is currently insufficient to determine the role of this variant in disease. Therefore, it has been classified as a Variant of Uncertain Significance.

NM_020975.6(RET):c.3149_3150delinsCT (p.Arg1050Pro)

Gene: RET (ret proto-oncogene; plus strand). Cytogenetic location: 10q11.21.
Variant type: Indel.
Coding change: c.3149_3150delinsCT on transcript NM_020975.6 (MANE Select); coding-DNA positions 3149 to 3150, GA replaced by CT.
Protein change: p.Arg1050Pro; replaces arginine 1050 with proline.
Molecular consequence: missense variant.
Genome position (GRCh38, 1-based): chr10:43,126,684-43,126,685, GA replaced by CT. VCF-style: chr10-43126684-GA-CT. GRCh37 (hg19) VCF-style: chr10-43622132-GA-CT.
Other names: c.3149_3150delGAinsCT, p.Arg1050Pro (NM_000323.2, NM_001406743.1, NM_001406744.1 and 2 more transcripts); c.2387_2388delGAinsCT, p.Arg796Pro (NM_001355216.2); c.3020_3021delGAinsCT, p.Arg1007Pro (NM_001406761.1, NM_001406762.1, NM_001406764.1); c.3014_3015delGAinsCT, p.Arg1005Pro (NM_001406763.1, NM_001406765.1); c.2861_2862delGAinsCT, p.Arg954Pro (NM_001406766.1, NM_001406767.1, NM_001406770.1); c.2885_2886delGAinsCT, p.Arg962Pro (NM_001406768.1); c.2753_2754delGAinsCT, p.Arg918Pro (NM_001406769.1, NM_001406772.1); c.2711_2712delGAinsCT, p.Arg904Pro (NM_001406771.1, NM_001406773.1); and 10 more; short protein forms R615P, R655P, R1007P, R567P, R706P, R720P, R796P, R808P.
Identifiers: ClinVar variation 2007519 (VCV002007519.4), dbSNP rs2538644601, ClinGen allele CA2580081493.
Genomic context (GRCh38, chr10:43,126,684, plus strand): 5'-ACGACGGCCTCTCAGAGGAGGAGACACCGCTGGTGGACTGTAATAATGCCCCCCTCCCTC[GA>CT]GCCCTCCCTTCCACATGGATTGAAAACAAACTCTATGGTAGAATTTCCCATGCATTTACT-3'
Protein context (NP_066124.1, residues 1040-1060): LVDCNNAPLP[Arg1050Pro]ALPSTWIENK